The following is an entry in ClinVar:

NM_001126108.2(SLC12A3):c.*1301A>C

Gene: SLC12A3 (solute carrier family 12 member 3; plus strand). Cytogenetic location: 16q13.
Variant type: single nucleotide variant.
Coding change: c.*1301A>C on transcript NM_001126108.2 (MANE Select); 1301 bases downstream of the stop codon, A replaced by C.
Molecular consequence: 3 prime UTR variant.
Genome position (GRCh38, 1-based): chr16:56,914,706, A>C. VCF-style: chr16-56914706-A-C. GRCh37 (hg19) VCF-style: chr16-56948618-A-C.
Other names: c.*1301A>C (NM_000339.3, NM_001126107.2).
Identifiers: ClinVar variation 319949 (VCV000319949.6), dbSNP rs9927820, ClinGen allele CA10638080.

ClinVar aggregate classification (germline): Benign. Review status: criteria provided, multiple submitters, no conflicts (2 of 4 stars). 2 submissions from 2 submitters: Benign (2). Last evaluated 2018-01-13.

Conditions:
Familial hypokalemia-hypomagnesemia (GTLMNS). Also called: gitelman syndrome; HYPOMAGNESEMIA-HYPOKALEMIA, PRIMARY RENOTUBULAR, WITH HYPOCALCIURIA; POTASSIUM AND MAGNESIUM DEPLETION. Identifiers: Orphanet 358, MedGen C0268450, MONDO:0009904, OMIM 263800.

Allele frequency attached by ClinVar (database versions not stated): 1000 Genomes Project 0.24062; 1000 Genomes Project 30x 0.24204; TOPMed 0.27896; gnomAD 0.28437 and 0.29170; gnomAD exomes 0.33333.
gnomAD v4.1: 43,318 of 152,124 alleles (28%); highest among the groups gnomAD compares: African/African-American, 32%; 6,283 homozygotes.

Submissions (2):

Illumina Laboratory Services, Illumina
Classification: Benign for Familial hypokalemia-hypomagnesemia. Last evaluated: 2018-01-13. Review status: criteria provided, single submitter. Criteria: ICSL Variant Classification Criteria 13 December 2019. Collection method: clinical testing. Allele origin: germline.
Comment: This variant was observed in the ICSL laboratory as part of a predisposition screen in an ostensibly healthy population. It had not been previously curated by ICSL or reported in the Human Gene Mutation Database (HGMD: prior to June 1st, 2018), and was therefore a candidate for classification through an automated scoring system. Utilizing variant allele frequency, disease prevalence and penetrance estimates, and inheritance mode, an automated score was calculated to assess if this variant is too frequent to cause the disease. Based on the score and internal cut-off values, a variant classified as benign is not then subjected to further curation. The score for this variant resulted in a classification of benign for this disease.

Breakthrough Genomics
Classification: Benign. Review status: criteria provided, single submitter. Criteria: ACMG Guidelines, 2015. Collection method: not provided. Allele origin: germline. Inheritance: Autosomal recessive inheritance. Affected: yes.